The following is an entry in ClinVar:

NM_000127.3(EXT1):c.1016G>T (p.Gly339Val)

Gene: EXT1 (exostosin glycosyltransferase 1; minus strand). Cytogenetic location: 8q24.11.
Variant type: single nucleotide variant.
Coding change: c.1016G>T on transcript NM_000127.3 (MANE Select); coding-DNA position 1016, G replaced by T.
Protein change: p.Gly339Val; replaces glycine 339 with valine.
Molecular consequence: missense variant.
Genome position (GRCh38, 1-based): chr8:117,837,148, C>A on the plus strand (G>T on the coding strand, the complement: EXT1 is on the minus strand). VCF-style: chr8-117837148-C-A. GRCh37 (hg19) VCF-style: chr8-118849387-C-A.
Other names: short protein forms G339V.
Identifiers: ClinVar variation 2735203 (VCV002735203.3), dbSNP rs119103288, ClinGen allele CA371893291.
Genomic context (GRCh38, chr8:117,837,148, plus strand): 5'-AAGGCTCCAGGGCCTCTTACCTGCAAAGCCTCCAGGAATCTGAAGGACCCAAGCCTGCGA[C>A]CACGAGGAACCAGACAGAAAGTGGCATTGTGCAGCATTTCCCGATAATCATACCTAGAAA-3'
Protein context (NP_000118.2, residues 329-349): HNATFCLVPR[Gly339Val]RRLGSFRFLE

ClinVar aggregate classification (germline): Pathogenic (1 of 4 stars; one submission).

Conditions:
Multiple congenital exostosis (EXT). Also called: Hereditary multiple exostoses; Hereditary multiple exostosis; MULTIPLE CARTILAGINOUS EXOSTOSES; Multiple exostoses; Multiple osteochondromas; Hereditary multiple osteochondromas. Identifiers: Orphanet 321, MedGen C0015306, MONDO:0005508, HP:0002762.

Submission:

Labcorp Genetics (formerly Invitae), Labcorp
Classification: Pathogenic for Multiple congenital exostosis. Last evaluated: 2023-02-24. Review status: criteria provided, single submitter. Criteria: Invitae Variant Classification Sherloc (09022015). Collection method: clinical testing. Allele origin: germline.
Comment: For these reasons, this variant has been classified as Pathogenic. This variant disrupts the p.Gly339 amino acid residue in EXT1. Other variant(s) that disrupt this residue have been determined to be pathogenic (PMID: 9326317, 9620772, 10639137, 23439489; Invitae). This suggests that this residue is clinically significant, and that variants that disrupt this residue are likely to be disease-causing. Advanced modeling of protein sequence and biophysical properties (such as structural, functional, and spatial information, amino acid conservation, physicochemical variation, residue mobility, and thermodynamic stability) performed at Invitae indicates that this missense variant is expected to disrupt EXT1 protein function. This missense change has been observed in individual(s) with multiple osteochondromas (PMID: 16088908; Invitae). This variant is not present in population databases (gnomAD no frequency). This sequence change replaces glycine, which is neutral and non-polar, with valine, which is neutral and non-polar, at codon 339 of the EXT1 protein (p.Gly339Val).

Literature cited by the submitters: PubMed 9326317; PubMed 9620772; PubMed 10639137; PubMed 23439489; PubMed 16088908.